The following is an entry in ClinVar:

NM_000263.4(NAGLU):c.743A>G (p.His248Arg)

Gene: NAGLU (N-acetyl-alpha-glucosaminidase; plus strand). Cytogenetic location: 17q21.2.
Variant type: single nucleotide variant.
Coding change: c.743A>G on transcript NM_000263.4 (MANE Select); coding-DNA position 743, A replaced by G.
Protein change: p.His248Arg; replaces histidine 248 with arginine.
Molecular consequence: missense variant.
Genome position (GRCh38, 1-based): chr17:42,538,734, A>G. VCF-style: chr17-42538734-A-G. GRCh37 (hg19) VCF-style: chr17-40690752-A-G.
Other names: short protein forms H248R.
Identifiers: ClinVar variation 4818045 (VCV004818045.1).

ClinVar aggregate classification (germline): Likely pathogenic (1 of 4 stars; one submission).

Conditions:
Mucopolysaccharidosis, MPS-III-B (MPS3B). Also called: MPS IIIB (Sanfilippo Syndrome Type B); N-ACETYL-ALPHA-D-GLUCOSAMINIDASE DEFICIENCY; NAGLU DEFICIENCY; SANFILIPPO SYNDROME B; MPS III B; Mucopolysaccharidosis type IIIB (Sanfilippo B). Identifiers: Orphanet 79270, MedGen C0086648, MONDO:0009656, OMIM 252920.

Submission:

Natera, Inc.
Classification: Likely pathogenic for Mucopolysaccharidosis type IIIB. Last evaluated: 2024-05-30. Review status: criteria provided, single submitter. Criteria: Natera Variant Classification Schema (03/2026). Collection method: clinical testing. Allele origin: germline.
Comment: The c.743A>G variant in NAGLU is a missense variant predicted to cause substitution of histidine to arginine at amino acid 248. This variant is rare in the general population with a frequency below the threshold expected for the associated phenotype(s). This variant has been identified in one or more affected individual with a phenotype highly consistent with the associated gene (PMID: 11793481). Functional studies show that this variant may disrupt protein function (PMID: 11793481, 29979746). Computational prediction algorithms indicate this variant is likely to affect gene or protein function. Given the available evidence, this variant is classified as Likely Pathogenic.

Literature cited by the submitters: PubMed 11793481; PubMed 29979746.